The following is an entry in ClinVar:

NM_001205293.3(CACNA1E):c.6883A>C (p.Met2295Leu)

Gene: CACNA1E (calcium voltage-gated channel subunit alpha1 E; plus strand). Cytogenetic location: 1q25.3.
Variant type: single nucleotide variant.
Coding change: c.6883A>C on transcript NM_001205293.3 (MANE Select); coding-DNA position 6883, A replaced by C.
Protein change: p.Met2295Leu; replaces methionine 2295 with leucine.
Molecular consequence: missense variant.
Genome position (GRCh38, 1-based): chr1:181,798,775, A>C. VCF-style: chr1-181798775-A-C. GRCh37 (hg19) VCF-style: chr1-181767911-A-C.
Other names: c.6754A>C, p.Met2252Leu (NM_000721.4); c.6697A>C, p.Met2233Leu (NM_001205294.2); short protein forms M2295L, M2233L, M2252L.
Identifiers: ClinVar variation 1447401 (VCV001447401.6), dbSNP rs377536482, ClinGen allele CA34197654.

ClinVar aggregate classification (germline): Uncertain significance (1 of 4 stars; one submission).

gnomAD v4.1: 13 of 1,585,976 alleles (0.00082%); highest among the groups gnomAD compares: Non-Finnish European, 0.0011%; no homozygotes.

Submission:

Labcorp Genetics (formerly Invitae), Labcorp
Classification: Uncertain significance. Last evaluated: 2022-09-27. Review status: criteria provided, single submitter. Criteria: Invitae Variant Classification Sherloc (09022015). Collection method: clinical testing. Allele origin: germline.
Comment: This variant is not present in population databases (gnomAD no frequency). This sequence change replaces methionine, which is neutral and non-polar, with leucine, which is neutral and non-polar, at codon 2252 of the CACNA1E protein (p.Met2252Leu). This variant has not been reported in the literature in individuals affected with CACNA1E-related conditions. In summary, the available evidence is currently insufficient to determine the role of this variant in disease. Therefore, it has been classified as a Variant of Uncertain Significance. Advanced modeling of protein sequence and biophysical properties (such as structural, functional, and spatial information, amino acid conservation, physicochemical variation, residue mobility, and thermodynamic stability) performed at Invitae indicates that this missense variant is not expected to disrupt CACNA1E protein function. ClinVar contains an entry for this variant (Variation ID: 1447401).